The following is an entry in ClinVar:

ClinVar aggregate classification (germline): Likely pathogenic (1 of 4 stars; one submission).

Submission:

GeneDx
Classification: Likely pathogenic. Last evaluated: 2018-02-13. Review status: criteria provided, single submitter. Criteria: GeneDx Variant Classification (06012015). Collection method: clinical testing. Allele origin: germline. Affected: yes.
Comment: The Y60X variant in the SLC6A19 gene has not been reported previously as a pathogenic variant nor as a benign variant, to our knowledge. This variant is predicted to cause loss of normal protein function either through protein truncation or nonsense-mediated mRNA decay. The Y60X variant is not observed in large population cohorts (Lek et al., 2016). We interpret Y60X as a likely pathogenic variant.

NM_001003841.3(SLC6A19):c.180C>G (p.Tyr60Ter)

Gene: SLC6A19 (solute carrier family 6 member 19; plus strand). Cytogenetic location: 5p15.33.
Variant type: single nucleotide variant.
Coding change: c.180C>G on transcript NM_001003841.3 (MANE Select); coding-DNA position 180, C replaced by G.
Protein change: p.Tyr60Ter; replaces tyrosine 60 with a stop codon.
Molecular consequence: nonsense.
Genome position (GRCh38, 1-based): chr5:1,201,830, C>G. VCF-style: chr5-1201830-C-G. GRCh37 (hg19) VCF-style: chr5-1201945-C-G.
Other names: short protein forms Y60*.
Identifiers: ClinVar variation 504251 (VCV000504251.2), dbSNP rs1554033750, ClinGen allele CA359060969.